The following is an entry in ClinVar:

NM_001040436.3(YARS2):c.870T>C (p.Val290=)

Gene: YARS2 (tyrosyl-tRNA synthetase 2; minus strand). Cytogenetic location: 12p11.21.
Variant type: single nucleotide variant.
Coding change: c.870T>C on transcript NM_001040436.3 (MANE Select); coding-DNA position 870, T replaced by C.
Protein change: p.Val290=; no amino-acid change (valine 290 retained).
Molecular consequence: synonymous variant.
Genome position (GRCh38, 1-based): chr12:32,753,995, A>G on the plus strand (T>C on the coding strand, the complement: YARS2 is on the minus strand). VCF-style: chr12-32753995-A-G. GRCh37 (hg19) VCF-style: chr12-32906929-A-G.
Identifiers: ClinVar variation 308457 (VCV000308457.31), dbSNP rs142067801, ClinGen allele CA6508078.

ClinVar aggregate classification (germline): Benign/Likely benign. Review status: criteria provided, multiple submitters, no conflicts (2 of 4 stars). 5 submissions from 5 submitters: Benign (2); Likely benign (2). 1 of the submissions does not count toward it. Last evaluated 2026-07-01.

Conditions:
Myopathy, lactic acidosis, and sideroblastic anemia 2 (MLASA2). Identifiers: Orphanet 2598, MedGen C3150802, MONDO:0013307, OMIM 613561.

Allele frequency attached by ClinVar (database versions not stated): gnomAD exomes 0.00032 and 0.00107; gnomAD 0.00041 and 0.00050; TOPMed 0.00062; 1000 Genomes Project 30x 0.00094; 1000 Genomes Project 0.00100; ExAC 0.00110.
gnomAD v4.1: 545 of 1,614,222 alleles (0.034%); highest among the groups gnomAD compares: East Asian, 1%; 7 homozygotes.

Submissions (5):

CeGaT Center for Human Genetics Tuebingen
Classification: Likely benign. Last evaluated: 2026-07-01. Review status: criteria provided, single submitter. Criteria: CeGaT Center For Human Genetics Tuebingen Variant Classification Criteria Version 2. Collection method: clinical testing. Allele origin: germline. Affected: yes. Observed: 2 variant alleles.
Comment: YARS2: BP4, BP7, BS1

Labcorp Genetics (formerly Invitae), Labcorp
Classification: Benign. Last evaluated: 2026-01-25. Review status: criteria provided, single submitter. Criteria: Invitae Variant Classification Sherloc (09022015). Collection method: clinical testing. Allele origin: germline.

Illumina Laboratory Services, Illumina
Classification: Benign for Myopathy, lactic acidosis, and sideroblastic anemia 2. Last evaluated: 2018-01-13. Review status: criteria provided, single submitter. Criteria: ICSL Variant Classification Criteria 13 December 2019. Collection method: clinical testing. Allele origin: germline.
Comment: This variant was observed in the ICSL laboratory as part of a predisposition screen in an ostensibly healthy population. It had not been previously curated by ICSL or reported in the Human Gene Mutation Database (HGMD: prior to June 1st, 2018), and was therefore a candidate for classification through an automated scoring system. Utilizing variant allele frequency, disease prevalence and penetrance estimates, and inheritance mode, an automated score was calculated to assess if this variant is too frequent to cause the disease. Based on the score and internal cut-off values, a variant classified as benign is not then subjected to further curation. The score for this variant resulted in a classification of benign for this disease.

GeneDx
Classification: Likely benign. Last evaluated: 2017-07-07. Review status: criteria provided, single submitter. Criteria: GeneDx Variant Classification (06012015). Collection method: clinical testing. Allele origin: germline. Affected: yes.
Comment: This variant is considered likely benign or benign based on one or more of the following criteria: it is a conservative change, it occurs at a poorly conserved position in the protein, it is predicted to be benign by multiple in silico algorithms, and/or has population frequency not consistent with disease.

Mayo Clinic Laboratories, Mayo Clinic
Classification: Likely benign. Last evaluated: 2017-06-13. Review status: no assertion criteria provided. Collection method: clinical testing. Allele origin: unknown. Not counted in ClinVar's aggregate classification.